The following is an entry in ClinVar:

ClinVar aggregate classification (germline): Uncertain significance (1 of 4 stars; one submission).

Allele frequency attached by ClinVar (database versions not stated): gnomAD exomes 0.00001 and 0.00002; TOPMed 0.00002; ExAC 0.00003; gnomAD 0.00001.

Submission:

Labcorp Genetics (formerly Invitae), Labcorp
Classification: Uncertain significance. Last evaluated: 2025-10-27. Review status: criteria provided, single submitter. Criteria: Invitae Variant Classification Sherloc (09022015). Collection method: clinical testing. Allele origin: germline.
Comment: This sequence change replaces threonine, which is neutral and polar, with methionine, which is neutral and non-polar, at codon 1147 of the RBP3 protein (p.Thr1147Met). This variant is present in population databases (rs781926837, gnomAD 0.007%). This variant has not been reported in the literature in individuals affected with RBP3-related conditions. ClinVar contains an entry for this variant (Variation ID: 1059062). Invitae Evidence Modeling of protein sequence and biophysical properties (such as structural, functional, and spatial information, amino acid conservation, physicochemical variation, residue mobility, and thermodynamic stability) has been performed for this missense variant. However, the output from this modeling did not meet the statistical confidence thresholds required to predict the impact of this variant on RBP3 protein function. In summary, the available evidence is currently insufficient to determine the role of this variant in disease. Therefore, it has been classified as a Variant of Uncertain Significance.

NM_002900.3(RBP3):c.3440C>T (p.Thr1147Met)

Gene: RBP3 (retinol binding protein 3; plus strand). Cytogenetic location: 10q11.22.
Variant type: single nucleotide variant.
Coding change: c.3440C>T on transcript NM_002900.3 (MANE Select); coding-DNA position 3440, C replaced by T.
Protein change: p.Thr1147Met; replaces threonine 1147 with methionine.
Molecular consequence: missense variant.
Genome position (GRCh38, 1-based): chr10:47,357,153, C>T. VCF-style: chr10-47357153-C-T. GRCh37 (hg19) VCF-style: chr10-48382209-G-A.
Other names: short protein forms T1147M.
Identifiers: ClinVar variation 1059062 (VCV001059062.7), dbSNP rs781926837, ClinGen allele CA5487047.